The following is an entry in ClinVar:

ClinVar aggregate classification (germline): Likely benign (1 of 4 stars; one submission).

Conditions:
VCAN-related disorder. Also called: VCAN-related condition.

Submission:

PreventionGenetics, part of Exact Sciences
Classification: Likely benign for VCAN-related condition. Last evaluated: 2026-06-17. Review status: criteria provided, single submitter. Criteria: ACMG Guidelines, 2015. Collection method: clinical testing. Allele origin: germline.
Comment: This variant is classified as likely benign based on ACMG/AMP sequence variant interpretation guidelines (Richards et al. 2015 PMID: 25741868, with internal and published modifications).

NM_004385.5(VCAN):c.6396T>C (p.Ser2132=)

Genes: VCAN (versican; plus strand), VCAN-AS1 (VCAN antisense RNA 1; minus strand). Cytogenetic location: 5q14.3.
Variant type: single nucleotide variant.
Coding change: c.6396T>C on transcript NM_004385.5 (MANE Select); coding-DNA position 6396, T replaced by C.
Protein change: p.Ser2132=; no amino-acid change (serine 2132 retained).
Molecular consequence: synonymous variant. On other transcripts: intron variant (2).
Genome position (GRCh38, 1-based): chr5:83,539,399, T>C. VCF-style: chr5-83539399-T-C. GRCh37 (hg19) VCF-style: chr5-82835218-T-C.
Other names: c.3435T>C, p.Ser1145= (NM_001164097.2); c.4004-6138T>C (NM_001164098.2); c.1043-6138T>C (NM_001126336.3).
Identifiers: ClinVar variation 4991715 (VCV004991715.1).